The following is an entry in ClinVar:

NM_001164508.2(NEB):c.12639+4A>G

Gene: NEB (nebulin; minus strand). Cytogenetic location: 2q23.3.
Variant type: single nucleotide variant.
Coding change: c.12639+4A>G on transcript NM_001164508.2 (MANE Select); 4 bases into the intron after coding-DNA position 12639, A replaced by G.
Molecular consequence: intron variant.
Genome position (GRCh38, 1-based): chr2:151,607,500, T>C on the plus strand (A>G on the coding strand, the complement: NEB is on the minus strand). VCF-style: chr2-151607500-T-C. GRCh37 (hg19) VCF-style: chr2-152464014-T-C.
Other names: c.11601+2309A>G (NM_004543.5); c.12639+4A>G (NM_001164507.2, NM_001271208.2).
Identifiers: ClinVar variation 2870722 (VCV002870722.3), dbSNP rs2552225548, ClinGen allele CA2661463707.

ClinVar aggregate classification (germline): Uncertain significance (1 of 4 stars; one submission).

Conditions:
Nemaline myopathy 2 (NEM2). Also called: Nemaline myopathy 2, autosomal recessive. Identifiers: MedGen C1850569, MONDO:0009725, OMIM 256030.

Submission:

Labcorp Genetics (formerly Invitae), Labcorp
Classification: Uncertain significance for Nemaline myopathy 2. Last evaluated: 2023-11-24. Review status: criteria provided, single submitter. Criteria: Invitae Variant Classification Sherloc (09022015). Collection method: clinical testing. Allele origin: germline.
Comment: This variant occurs in a region of NEB (Exons 82-105) consisting of three highly homologous 8-exon repeat units (exons 82-89, exons 90-97, exons 98-105). Sequence variants in this region can be detected, but this assay cannot determine which of the three repeat units is affected, and zygosity is often ambiguous. All variants in this region are reported relative to the exon 82-89 repeat. This sequence change falls in intron 83 of the NEB gene. It does not directly change the encoded amino acid sequence of the NEB protein. It affects a nucleotide within the consensus splice site. The frequency data for this variant in the population databases (gnomAD) is considered unreliable due to the presence of homologous sequence, such as pseudogenes or paralogs, in the genome. This variant has not been reported in the literature in individuals affected with NEB-related conditions. Variants that disrupt the consensus splice site are a relatively common cause of aberrant splicing (PMID: 17576681, 9536098). Experimental studies and prediction algorithms are not available or were not evaluated, and the effect of this variant on mRNA splicing is currently unknown. In summary, the available evidence is currently insufficient to determine the role of this variant in disease. Therefore, it has been classified as a Variant of Uncertain Significance.

Literature cited by the submitters: PubMed 17576681; PubMed 9536098.